The following is an entry in ClinVar:

NM_001048174.2(MUTYH):c.-6-3C>A

Gene: MUTYH (mutY DNA glycosylase; minus strand). Cytogenetic location: 1p34.1.
Variant type: single nucleotide variant.
Coding change: c.-6-3C>A on transcript NM_001048174.2 (MANE Select); 3 bases into the intron before 6 bases upstream of the start codon, C replaced by A.
Molecular consequence: intron variant.
Genome position (GRCh38, 1-based): chr1:45,334,514, G>T on the plus strand (C>A on the coding strand, the complement: MUTYH is on the minus strand). VCF-style: chr1-45334514-G-T. GRCh37 (hg19) VCF-style: chr1-45800186-G-T.
Other names: c.-6-3C>A (NM_001407072.1, NM_001048171.2, NM_001407070.1 and 15 more transcripts); c.-213-3C>A (NM_001350651.2, NM_001407082.1); c.-218-3C>A (NM_001293192.2, NM_001293196.2, NM_001407091.1); c.-277-3C>A (NM_001350650.2); c.37-3C>A (NM_001407073.1, NM_001293190.2, NM_001407069.1 and 2 more transcripts); c.-162-3C>A (NM_001407075.1); c.13-3C>A (NM_001407087.1).
Identifiers: ClinVar variation 3233039 (VCV003233039.1), dbSNP rs1196822993, ClinGen allele CA522561073.

ClinVar aggregate classification (germline): Uncertain significance (1 of 4 stars; one submission).

Conditions:
Hereditary cancer-predisposing syndrome. Also called: Neoplastic Syndromes, Hereditary; Tumor predisposition; Hereditary neoplastic syndrome; Hereditary Cancer Syndrome. Identifiers: Orphanet 140162, MedGen C0027672, MeSH D009386, MONDO:0015356.

Allele frequency attached by ClinVar (database versions not stated): gnomAD 0.00001.
gnomAD v4.1: 1 of 1,613,876 alleles (0.000062%); highest among the groups gnomAD compares: Non-Finnish European, 0.000085%; no homozygotes.

Submission:

Ambry Genetics
Classification: Uncertain significance for Hereditary cancer-predisposing syndrome. Last evaluated: 2024-01-11. Review status: criteria provided, single submitter. Criteria: Ambry Variant Classification Scheme 2023. Collection method: clinical testing. Allele origin: germline.
Comment: The c.37-3C>A intronic variant results from a C to A substitution 3 nucleotides upstream from coding exon 2 in the MUTYH gene. This nucleotide position is poorly conserved in available vertebrate species. In silico splice site analysis predicts that this alteration will not have any significant effect on splicing. Since supporting evidence is limited at this time, the clinical significance of this alteration remains unclear.